The following is an entry in ClinVar:

ClinVar aggregate classification (germline): Likely benign. Review status: reviewed by expert panel (3 of 4 stars). 6 submissions from 6 submitters: Likely benign (1). 5 of the submissions do not count toward it. Last evaluated 2017-06-29.

Conditions:
Hereditary cancer-predisposing syndrome. Also called: Tumor predisposition; Hereditary Cancer Syndrome; Hereditary neoplastic syndrome; Neoplastic Syndromes, Hereditary. Identifiers: Orphanet 140162, MedGen C0027672, MeSH D009386, MONDO:0015356.
Hereditary breast ovarian cancer syndrome. Also called: Breast and ovarian cancer; Hereditary breast and ovarian cancer syndrome; Hereditary breast and ovarian cancer; BRCA1- and BRCA2-Associated Hereditary Breast and Ovarian Cancer; Hereditary breast and ovarian cancer syndrome (HBOC); Hereditary breast and/or ovarian cancer syndrome. Identifiers: Orphanet 145, MedGen C0677776, MeSH D061325, MONDO:0003582. Disease mechanism: loss of function.
Breast-ovarian cancer, familial, susceptibility to, 2 (BROVCA2). Also called: BRCA2 Hereditary Breast and Ovarian Cancer. Identifiers: Orphanet 145, MedGen C2675520, MONDO:0012933, OMIM 612555. Disease mechanism: loss of function.

Allele frequency attached by ClinVar (database versions not stated): gnomAD exomes below 0.00001; TOPMed below 0.00001.
gnomAD v4.1: 1 of 1,611,844 alleles (0.000062%); highest among the groups gnomAD compares: African/African-American, 0.0013%; no homozygotes.

Submissions (6):

Evidence-based Network for the Interpretation of Germline Mutant Alleles (ENIGMA)
Classification: Likely benign for Breast-ovarian cancer, familial, susceptibility to, 2. Last evaluated: 2017-06-29. Review status: reviewed by expert panel. Criteria: ENIGMA BRCA1/2 Classification Criteria (2017-06-29). Collection method: curation. Allele origin: germline.
Comment: Synonymous substitution variant, with low bioinformatic likelihood to result in a splicing aberration (Splicing prior probability 0.02).

Labcorp Genetics (formerly Invitae), Labcorp
Classification: Likely benign for Hereditary breast ovarian cancer syndrome. Last evaluated: 2025-01-12. Review status: criteria provided, single submitter. Criteria: Invitae Variant Classification Sherloc (09022015). Collection method: clinical testing. Allele origin: germline. Not counted in ClinVar's aggregate classification.

All of Us Research Program, National Institutes of Health
Classification: Likely benign for Breast-ovarian cancer, familial, susceptibility to, 2. Last evaluated: 2024-01-11. Review status: criteria provided, single submitter. Criteria: ACMG Guidelines, 2015. Collection method: clinical testing. Allele origin: germline. Inheritance: Autosomal dominant inheritance. Observed: 1 variant allele, 1 heterozygote. Not counted in ClinVar's aggregate classification.
Comment: This study involves interpretation of variants in research participants for the purpose of population health screening. Participant phenotype was not available at the time of variant classification. Additional details can be found in publication PMID: 35346344, PMCID: PMC8962531

Quest Diagnostics Nichols Institute San Juan Capistrano
Classification: Likely benign. Last evaluated: 2019-05-08. Review status: criteria provided, single submitter. Criteria: Quest Diagnostics criteria. Collection method: clinical testing. Allele origin: germline. Not counted in ClinVar's aggregate classification.

Color Diagnostics, LLC DBA Color Health
Classification: Likely benign for Hereditary cancer-predisposing syndrome. Last evaluated: 2018-06-07. Review status: criteria provided, single submitter. Criteria: ACMG Guidelines, 2015. Collection method: clinical testing. Allele origin: germline. Not counted in ClinVar's aggregate classification.

Ambry Genetics
Classification: Likely benign for Hereditary cancer-predisposing syndrome. Last evaluated: 2015-05-04. Review status: criteria provided, single submitter. Criteria: Ambry Variant Classification Scheme 2023. Collection method: clinical testing. Allele origin: germline. Not counted in ClinVar's aggregate classification.

NM_000059.4(BRCA2):c.4101A>G (p.Lys1367=)

Gene: BRCA2 (BRCA2 DNA repair associated; plus strand). Cytogenetic location: 13q13.1.
Variant type: single nucleotide variant.
Coding change: c.4101A>G on transcript NM_000059.4 (MANE Select); coding-DNA position 4101, A replaced by G.
Protein change: p.Lys1367=; no amino-acid change (lysine 1367 retained).
Molecular consequence: synonymous variant.
Genome position (GRCh38, 1-based): chr13:32,338,456, A>G. VCF-style: chr13-32338456-A-G. GRCh37 (hg19) VCF-style: chr13-32912593-A-G.
Identifiers: ClinVar variation 185175 (VCV000185175.22), dbSNP rs786201982, ClinGen allele CA019529.